The following is an entry in ClinVar:

ClinVar aggregate classification (germline): Likely pathogenic (1 of 4 stars; one submission).

Conditions:
Cystic fibrosis (CF). Also called: MUCOVISCIDOSIS. Identifiers: Orphanet 586, MedGen C0010674, MONDO:0009061, OMIM 219700. Disease mechanism: loss of function.

Submission:

Women's Health and Genetics/Laboratory Corporation of America, LabCorp
Classification: Likely pathogenic for Cystic fibrosis. Last evaluated: 2024-09-04. Review status: criteria provided, single submitter. Criteria: LabCorp Variant Classification Summary - May 2015. Collection method: clinical testing. Allele origin: germline.
Comment: Variant summary: CFTR c.3139+1G>C is located in a canonical splice-site and is predicted to affect mRNA splicing resulting in a significantly altered protein due to either exon skipping, shortening, or inclusion of intronic material. Variants that disrupt the consensus splice site are a relatively common cause of aberrant splicing and loss of CFTR function. Several computational tools predict a significant impact on normal splicing: Three predict the variant abolishes a 5' splicing donor site. However, these predictions have yet to be confirmed by functional studies. The variant was absent in 250706 control chromosomes (gnomAD). To our knowledge, no occurrence of c.3139+1G>C in individuals affected with Cystic Fibrosis and no experimental evidence demonstrating its impact on protein function have been reported. No submitters have cited clinical-significance assessments for this variant to ClinVar. Based on the evidence outlined above, the variant was classified as likely pathogenic.

NM_000492.4(CFTR):c.3139+1G>C

Genes: CFTR (CF transmembrane conductance regulator; plus strand), CFTR-AS2 (CFTR antisense RNA 2; minus strand), LOC111674472 (DNase I hypersensitive sites in introns 16 and 17a of CFTR; plus strand). Cytogenetic location: 7q31.2.
Variant type: single nucleotide variant.
Coding change: c.3139+1G>C on transcript NM_000492.4 (MANE Select); the canonical splice donor site of the intron after coding-DNA position 3139, G replaced by C.
Molecular consequence: splice donor variant.
Genome position (GRCh38, 1-based): chr7:117,610,670, G>C. VCF-style: chr7-117610670-G-C. GRCh37 (hg19) VCF-style: chr7-117250724-G-C.
Identifiers: ClinVar variation 3375097 (VCV003375097.1).
Genomic context (GRCh38, chr7:117,610,670, plus strand): 5'-TTATGTTGAGAGCATATTTCCTCCAAACCTCACAGCAACTCAAACAACTGGAATCTGAAG[G>C]TATGACAGTGAATGTGCGATACTCATCTTGTAAAAAAGCTATAAGAGCTATTTGAGATTC-3'